The following is an entry in ClinVar:

ClinVar aggregate classification (germline): Uncertain significance. Review status: criteria provided, multiple submitters, no conflicts (2 of 4 stars). 5 submissions from 5 submitters: Uncertain significance (4). 1 of the submissions does not count toward it. Last evaluated 2024-10-29.

Conditions:
Usher syndrome type 1 (USH1). Also called: RETINITIS PIGMENTOSA AND CONGENITAL DEAFNESS. Identifiers: Orphanet 231169, Orphanet 886, MedGen C1568247, MONDO:0010168, OMIM 276900.
Cone-rod dystrophy. Also called: Cone/cone-rod dystrophy; Cone-rod degeneration. Identifiers: Orphanet 1872, MedGen C4085590, MONDO:0015993, HP:0000548.

Allele frequency attached by ClinVar (database versions not stated): TOPMed 0.00022; ExAC 0.00007; gnomAD exomes 0.00009; 1000 Genomes Project 30x 0.00016; 1000 Genomes Project 0.00020.
gnomAD v4.1: 56 of 1,610,284 alleles (0.0035%); highest among the groups gnomAD compares: Middle Eastern, 0.036%; no homozygotes.

Submissions (5):

Labcorp Genetics (formerly Invitae), Labcorp
Classification: Uncertain significance. Last evaluated: 2024-10-29. Review status: criteria provided, single submitter. Criteria: Invitae Variant Classification Sherloc (09022015). Collection method: clinical testing. Allele origin: germline.
Comment: This sequence change replaces threonine, which is neutral and polar, with methionine, which is neutral and non-polar, at codon 980 of the CDH23 protein (p.Thr980Met). This variant is present in population databases (rs535416598, gnomAD 0.05%). This variant has not been reported in the literature in individuals affected with CDH23-related conditions. ClinVar contains an entry for this variant (Variation ID: 970773). Invitae Evidence Modeling of protein sequence and biophysical properties (such as structural, functional, and spatial information, amino acid conservation, physicochemical variation, residue mobility, and thermodynamic stability) has been performed for this missense variant. However, the output from this modeling did not meet the statistical confidence thresholds required to predict the impact of this variant on CDH23 protein function. In summary, the available evidence is currently insufficient to determine the role of this variant in disease. Therefore, it has been classified as a Variant of Uncertain Significance.

Blueprint Genetics
Classification: Uncertain significance. Last evaluated: 2024-07-19. Review status: criteria provided, single submitter. Criteria: ACMG Guidelines, 2015. Collection method: clinical testing. Allele origin: germline.

GeneDx
Classification: Uncertain significance. Last evaluated: 2024-05-15. Review status: criteria provided, single submitter. Criteria: GeneDx Variant Classification Process June 2021. Collection method: clinical testing. Allele origin: germline.
Comment: In silico analysis supports that this missense variant has a deleterious effect on protein structure/function; Has not been previously published as pathogenic or benign to our knowledge

Cambridge Genomics Laboratory, East Genomic Laboratory Hub, NHS Genomic Medicine Service
Classification: Uncertain significance for Cone-rod dystrophy. Last evaluated: 2020-04-21. Review status: criteria provided, single submitter. Criteria: ACGS Best Practice Guidelines for Variant Classification in Rare Disease 2020. Collection method: clinical testing. Allele origin: germline. Affected: yes. Observed: 1 variant allele.

Natera, Inc.
Classification: Uncertain significance for Usher syndrome type 1. Last evaluated: 2020-04-03. Review status: no assertion criteria provided. Collection method: clinical testing. Allele origin: germline. Not counted in ClinVar's aggregate classification.

NM_022124.6(CDH23):c.2939C>T (p.Thr980Met)

Gene: CDH23 (cadherin related 23; plus strand). Cytogenetic location: 10q22.1.
Variant type: single nucleotide variant.
Coding change: c.2939C>T on transcript NM_022124.6 (MANE Select); coding-DNA position 2939, C replaced by T.
Protein change: p.Thr980Met; replaces threonine 980 with methionine.
Molecular consequence: missense variant.
Genome position (GRCh38, 1-based): chr10:71,705,116, C>T. VCF-style: chr10-71705116-C-T. GRCh37 (hg19) VCF-style: chr10-73464873-C-T.
Other names: c.2939C>T, p.Thr980Met (NM_001171930.2, NM_001171931.2); short protein forms T980M.
Identifiers: ClinVar variation 970773 (VCV000970773.9), dbSNP rs535416598, ClinGen allele CA5544377.